The following is an entry in ClinVar:

ClinVar aggregate classification (germline): Pathogenic (1 of 4 stars; one submission).

Submission:

GeneDx
Classification: Pathogenic. Last evaluated: 2012-12-20. Review status: criteria provided, single submitter. Criteria: GeneDx Variant Classification (06012015). Collection method: clinical testing. Allele origin: germline. Affected: yes.
Comment: p.Val1326Asp (GTT>GAT): c.3977 T>A in exon 22 of the SCN2A gene (NM_021007.2). The Val1326Asp missense change has not been published as a mutation, nor has it been reported as a benign polymorphism to our knowledge. The NHLBI ESP Exome Variant Project has not identified Val1326Asp in approximately 6,500 individuals of European or African American ethnicity, indicating that it is not a common benign variant in these populations. The amino acid substitution is non-conservative, as an uncharged, non-polar Valine residue is replaced by a negatively charged Aspartic acid residue. It alters a highly conserved position in the intracellular loop between the 4th and 5th segments of the third transmembrane domain, and other missense mutations in this region have been reported in association with benign familial neonatal-infantile seizures (Shi et al., 2011). This variant has been observed de novo without verified parentage. The variant is found in INFANT-EPI panel(s).

NM_001040142.2(SCN2A):c.3977T>A (p.Val1326Asp)

Gene: SCN2A (sodium voltage-gated channel alpha subunit 2; plus strand). Cytogenetic location: 2q24.3.
Variant type: single nucleotide variant.
Coding change: c.3977T>A on transcript NM_001040142.2 (MANE Select); coding-DNA position 3977, T replaced by A.
Protein change: p.Val1326Asp; replaces valine 1326 with aspartic acid.
Molecular consequence: missense variant.
Genome position (GRCh38, 1-based): chr2:165,374,689, T>A. VCF-style: chr2-165374689-T-A. GRCh37 (hg19) VCF-style: chr2-166231199-T-A.
Other names: p.V1326D:GTT>GAT; c.3977T>A, p.Val1326Asp (NM_001040143.2, NM_001371246.1, NM_001371247.1 and 1 more transcripts); short protein forms V1326D.
Identifiers: ClinVar variation 206993 (VCV000206993.2), dbSNP rs796053131, ClinGen allele CA317945.